The following is an entry in ClinVar:

NC_000016.9:g.(?_89839659)_(89846385_?)dup

Gene: FANCA (FA complementation group A; minus strand). Cytogenetic location: 16q24.3.
Variant type: Duplication.
Identifiers: ClinVar variation 3243290 (VCV003243290.1).

ClinVar aggregate classification (germline): Likely pathogenic (1 of 4 stars; one submission).

Conditions:
Fanconi anemia (FA). Also called: Fanconi's anemia. Identifiers: Orphanet 84, MedGen C0015625, MeSH D005199, MONDO:0019391.

Submission:

Labcorp Genetics (formerly Invitae), Labcorp
Classification: Likely pathogenic for Fanconi anemia. Last evaluated: 2023-04-06. Review status: criteria provided, single submitter. Criteria: Invitae Variant Classification Sherloc (09022015). Collection method: clinical testing. Allele origin: unknown.
Comment: In summary, the currently available evidence indicates that the variant is pathogenic, but additional data are needed to prove that conclusively. Therefore, this variant has been classified as Likely Pathogenic. This variant has not been reported in the literature in individuals affected with FANCA-related conditions. This variant results in a copy number gain of the genomic region encompassing exon(s) 18-22 of the FANCA gene. While the exact position of this variant cannot be determined from the data, sub-genic copy number gains are generally in tandem (PMID: 25640679). This variant is predicted to be out-of-frame, and may result in an absent or disrupted protein product. Loss-of-function variants in FANCA are known to be pathogenic (PMID: 19367192).

Literature cited by the submitters: PubMed 25640679; PubMed 19367192.